The following is an entry in ClinVar:

ClinVar aggregate classification (germline): Uncertain significance. Review status: criteria provided, multiple submitters, no conflicts (2 of 4 stars). 5 submissions from 5 submitters: Uncertain significance (5). Last evaluated 2025-11-12.

Conditions:
Hereditary cancer-predisposing syndrome. Also called: Neoplastic Syndromes, Hereditary; Hereditary neoplastic syndrome; Tumor predisposition; Hereditary Cancer Syndrome. Identifiers: Orphanet 140162, MedGen C0027672, MeSH D009386, MONDO:0015356.
POLD1-related polyposis and colorectal cancer syndrome (CRCS10). Also called: Colorectal cancer 10; COLORECTAL CANCER, SUSCEPTIBILITY TO, ON CHROMOSOME 19q; Colorectal cancer, susceptibility to, 10. Identifiers: Orphanet 220460, MedGen C2675481, MONDO:0012953, OMIM 612591.

Allele frequency attached by ClinVar (database versions not stated): gnomAD 0.00001; gnomAD exomes 0.00002.
gnomAD v4.1: 34 of 1,613,610 alleles (0.0021%); highest among the groups gnomAD compares: Non-Finnish European, 0.0022%; no homozygotes.

Submissions (5):

Ambry Genetics
Classification: Uncertain significance for Hereditary cancer-predisposing syndrome. Last evaluated: 2025-11-12. Review status: criteria provided, single submitter. Criteria: Ambry Variant Classification Scheme 2023. Collection method: clinical testing. Allele origin: germline.
Comment: The p.R521W variant (also known as c.1561C>T), located in coding exon 12 of the POLD1 gene, results from a C to T substitution at nucleotide position 1561. The arginine at codon 521 is replaced by tryptophan, an amino acid with dissimilar properties. This amino acid position is highly conserved in available vertebrate species. In addition, the in silico prediction for this alteration is inconclusive. Since supporting evidence is limited at this time, the clinical significance of this alteration remains unclear.

Labcorp Genetics (formerly Invitae), Labcorp
Classification: Uncertain significance for POLD1-related polyposis and colorectal cancer syndrome. Last evaluated: 2025-08-06. Review status: criteria provided, single submitter. Criteria: Invitae Variant Classification Sherloc (09022015). Collection method: clinical testing. Allele origin: germline.
Comment: This sequence change replaces arginine, which is basic and polar, with tryptophan, which is neutral and slightly polar, at codon 521 of the POLD1 protein (p.Arg521Trp). This variant is present in population databases (no rsID available, gnomAD 0.01%). This variant has not been reported in the literature in individuals affected with POLD1-related conditions. ClinVar contains an entry for this variant (Variation ID: 469205). Invitae Evidence Modeling of protein sequence and biophysical properties (such as structural, functional, and spatial information, amino acid conservation, physicochemical variation, residue mobility, and thermodynamic stability) indicates that this missense variant is expected to disrupt POLD1 protein function with a positive predictive value of 80%. In summary, the available evidence is currently insufficient to determine the role of this variant in disease. Therefore, it has been classified as a Variant of Uncertain Significance.

Baylor Genetics
Classification: Uncertain significance for POLD1-related polyposis and colorectal cancer syndrome. Last evaluated: 2023-08-31. Review status: criteria provided, single submitter. Criteria: ACMG Guidelines, 2015. Collection method: clinical testing. Allele origin: unknown.

ARUP Laboratories, Molecular Genetics and Genomics, ARUP Laboratories
Classification: Uncertain significance. Last evaluated: 2022-06-24. Review status: criteria provided, single submitter. Criteria: ARUP Molecular Germline Variant Investigation Process 2021. Collection method: clinical testing. Allele origin: germline.
Comment: The POLD1 c.1561C>T; p.Arg521Trp variant (rs1341055535), to our knowledge, is not reported in the medical literature but is reported in ClinVar (Variation ID: 469205). This variant is found in the general population with an overall allele frequency of 0.002% (5/281942 alleles) in the Genome Aggregation Database. The arginine at codon 521 is highly conserved, but computational analyses are uncertain whether this variant is neutral or deleterious (REVEL: 0.471). This variant is located in the exonuclease domain (Palles 2013), and gene-disease association has been established for variants within the exonuclease domain (Seifert 2019). A different variant at this codon, p.Arg521Gln, is reported in a family with colorectal cancer, and in a cohort of individuals with lipodystrophy (Dron 2020, Mur 2020). Due to limited information, the clinical significance of the p.Arg521Trp variant is uncertain at this time. References: Dron JS et al. Six years' experience with LipidSeq: clinical and research learnings from a hybrid, targeted sequencing panel for dyslipidemias. BMC Med Genomics. 2020 Feb 10;13(1):23. PMID: 32041611. Mur P et al. Role of POLE and POLD1 in familial cancer. Genet Med. 2020 Dec;22(12):2089-2100. PMID: 32792570. Palles C et al. Germline mutations affecting the proofreading domains of POLE and POLD1 predispose to colorectal adenomas and carcinomas. Nat Genet. 2013 Feb;45(2):136-44. PMID: 23263490. Seifert BA et al. Determining the clinical validity of hereditary colorectal cancer and polyposis susceptibility genes using the Clinical Genome Resource Clinical Validity Framework. Genet Med. 2019 Jul;21(7):1507-1516. PMID: 30523343.

Sema4
Classification: Uncertain significance for Hereditary cancer-predisposing syndrome. Last evaluated: 2021-11-05. Review status: criteria provided, single submitter. Criteria: Sema4 Curation Guidelines. Collection method: curation. Allele origin: germline.
Comment: To the best of our knowledge, the POLD1 c.1561C>T (p.R521W) variant has not been reported in individuals with POLD1-related disease. It was observed in 3/25034 chromosomes of the Finnish subpopulation in the large and broad cohorts of the Genome Aggregation Database (PMID: 32461654). The variant has been reported in ClinVar (Variation ID: 469205). Functional studies have not been performed, and in silico predictions of the variant's effect on protein function are inconclusive. The evidence is insufficient to meet ACMG/AMP criteria for classifying the variant as benign or pathogenic. Thus, the clinical significance of this variant is currently uncertain.

NM_002691.4(POLD1):c.1561C>T (p.Arg521Trp)

Gene: POLD1 (DNA polymerase delta 1, catalytic subunit; plus strand). Cytogenetic location: 19q13.33.
Variant type: single nucleotide variant.
Coding change: c.1561C>T on transcript NM_002691.4 (MANE Select); coding-DNA position 1561, C replaced by T.
Protein change: p.Arg521Trp; replaces arginine 521 with tryptophan.
Molecular consequence: missense variant. On other transcripts: non-coding transcript variant (1).
Genome position (GRCh38, 1-based): chr19:50,407,049, C>T. VCF-style: chr19-50407049-C-T. GRCh37 (hg19) VCF-style: chr19-50910306-C-T.
Other names: c.1561C>T, p.Arg521Trp (NM_001256849.1, NM_001308632.1); short protein forms R521W.
Identifiers: ClinVar variation 469205 (VCV000469205.18), dbSNP rs1341055535, ClinGen allele CA406980870.
Genomic context (GRCh38, chr19:50,407,049, plus strand): 5'-AACGACCAGACCCGCCGCCGCCTGGCTGTGTACTGCCTGAAGGATGCCTACCTGCCACTG[C>T]GGCTGCTGGAGCGGCTCATGGTGCTGGTGAACGCCGTGGAGATGGCGAGGGTCACTGGCG-3'
Protein context (NP_002682.2, residues 511-531): YCLKDAYLPL[Arg521Trp]LLERLMVLVN